The following is an entry in ClinVar:

ClinVar aggregate classification (germline): Pathogenic (1 of 4 stars; one submission).

Conditions:
Combined immunodeficiency due to DOCK8 deficiency (HIES2). Also called: HYPER-IgE SYNDROME 2, AUTOSOMAL RECESSIVE, WITH RECURRENT INFECTIONS; DOCK8 Deficiency; Hyper-IgE recurrent infection syndrome, autosomal recessive; HIES autosomal recessive; HYPER-IgE RECURRENT INFECTION SYNDROME 2, AUTOSOMAL RECESSIVE. Identifiers: Orphanet 217390, MedGen C4722305, MONDO:0009478, OMIM 243700.

Submission:

Labcorp Genetics (formerly Invitae), Labcorp
Classification: Pathogenic for Combined immunodeficiency due to DOCK8 deficiency. Last evaluated: 2025-03-30. Review status: criteria provided, single submitter. Criteria: Invitae Variant Classification Sherloc (09022015). Collection method: clinical testing. Allele origin: germline.
Comment: This sequence change creates a premature translational stop signal (p.Glu1680Glyfs*51) in the DOCK8 gene. It is expected to result in an absent or disrupted protein product. Loss-of-function variants in DOCK8 are known to be pathogenic (PMID: 14722525, 19776401). This variant is not present in population databases (gnomAD no frequency). This variant has not been reported in the literature in individuals affected with DOCK8-related conditions. For these reasons, this variant has been classified as Pathogenic.

Literature cited by the submitters: PubMed 14722525; PubMed 19776401.

NM_203447.4(DOCK8):c.5037_5038dup (p.Glu1680fs)

Gene: DOCK8 (dedicator of cytokinesis 8; plus strand). Cytogenetic location: 9p24.3.
Variant type: Duplication.
Coding change: c.5037_5038dup on transcript NM_203447.4 (MANE Select); coding-DNA positions 5037 to 5038, 2 bases duplicated (GG; older notation c.5037_5038dupGG).
Protein change: p.Glu1680fs; shifts the reading frame from glutamic acid 1680.
Molecular consequence: frameshift variant.
Genome position (GRCh38, 1-based): chr9:434,933-434,934, GG duplicated. VCF-style (leftmost placement, unchanged base first): chr9-434932-T-TGG. GRCh37 (hg19) VCF-style: chr9-434932-T-TGG.
Other names: c.4737_4738dup, p.Glu1580fs (NM_001190458.2); c.4833_4834dup, p.Glu1612fs (NM_001193536.2); short protein forms E1580fs, E1680fs, E1612fs.
Identifiers: ClinVar variation 3728885 (VCV003728885.2).